The following is an entry in ClinVar:

ClinVar aggregate classification (germline): Uncertain significance. Review status: criteria provided, multiple submitters, no conflicts (2 of 4 stars). 2 submissions from 2 submitters: Uncertain significance (2). Last evaluated 2025-05-11.

Conditions:
Inborn genetic diseases. Identifiers: MedGen C0950123, MeSH D030342.

Submissions (2):

Labcorp Genetics (formerly Invitae), Labcorp
Classification: Uncertain significance. Last evaluated: 2025-05-11. Review status: criteria provided, single submitter. Criteria: Invitae Variant Classification Sherloc (09022015). Collection method: clinical testing. Allele origin: germline.
Comment: This sequence change replaces arginine, which is basic and polar, with serine, which is neutral and polar, at codon 176 of the SAMD9L protein (p.Arg176Ser). This variant is present in population databases (rs367855636, gnomAD 0.003%). This variant has not been reported in the literature in individuals affected with SAMD9L-related conditions. An algorithm developed to predict the effect of missense changes on protein structure and function (PolyPhen-2) suggests that this variant is likely to be disruptive. In summary, the available evidence is currently insufficient to determine the role of this variant in disease. Therefore, it has been classified as a Variant of Uncertain Significance.

Ambry Genetics
Classification: Uncertain significance for Inborn genetic diseases. Last evaluated: 2025-01-10. Review status: criteria provided, single submitter. Criteria: Ambry Variant Classification Scheme 2023. Collection method: clinical testing. Allele origin: germline.
Comment: The p.R176S variant (also known as c.526C>A), located in coding exon 1 of the SAMD9L gene, results from a C to A substitution at nucleotide position 526. The arginine at codon 176 is replaced by serine, an amino acid with dissimilar properties. This amino acid position is conserved. In addition, this alteration is predicted to be tolerated by in silico analysis. Based on the available evidence, the clinical significance of this variant remains unclear.

NM_152703.5(SAMD9L):c.526C>A (p.Arg176Ser)

Gene: SAMD9L (sterile alpha motif domain containing 9 like; minus strand). Cytogenetic location: 7q21.2.
Variant type: single nucleotide variant.
Coding change: c.526C>A on transcript NM_152703.5 (MANE Select); coding-DNA position 526, C replaced by A.
Protein change: p.Arg176Ser; replaces arginine 176 with serine.
Molecular consequence: missense variant.
Genome position (GRCh38, 1-based): chr7:93,135,446, G>T on the plus strand (C>A on the coding strand, the complement: SAMD9L is on the minus strand). VCF-style: chr7-93135446-G-T. GRCh37 (hg19) VCF-style: chr7-92764759-G-T.
Other names: c.526C>A, p.Arg176Ser (NM_001303497.3, NM_001303498.3, NM_001303500.3 and 5 more transcripts); short protein forms R176S.
Identifiers: ClinVar variation 3792298 (VCV003792298.2).
Genomic context (GRCh38, chr7:93,135,446, plus strand): 5'-TTGGATCAATGAGATTGAGTGCTCCTGTTTCAGGTTGTAGAGTATAATGTTCTATGTAGC[G>T]ATGGCTGTCATGGAACTGATCAAAAGGATATGGCATACAAGTCAATTGTTCAGGTTTTAG-3'
Protein context (NP_689916.2, residues 166-186): YPFDQFHDSH[Arg176Ser]YIEHYTLQPE